The following is an entry in ClinVar:

NM_021098.3(CACNA1H):c.56C>G (p.Pro19Arg)

Gene: CACNA1H (calcium voltage-gated channel subunit alpha1 H; plus strand). Cytogenetic location: 16p13.3.
Variant type: single nucleotide variant.
Coding change: c.56C>G on transcript NM_021098.3 (MANE Select); coding-DNA position 56, C replaced by G.
Protein change: p.Pro19Arg; replaces proline 19 with arginine.
Molecular consequence: missense variant.
Genome position (GRCh38, 1-based): chr16:1,153,793, C>G. VCF-style: chr16-1153793-C-G. GRCh37 (hg19) VCF-style: chr16-1203793-C-G.
Other names: c.56C>G, p.Pro19Arg (NM_001005407.2); short protein forms P19R.
Identifiers: ClinVar variation 1432054 (VCV001432054.8), dbSNP rs1196939283, ClinGen allele CA394145384.

ClinVar aggregate classification (germline): Uncertain significance (1 of 4 stars; one submission).

Conditions:
Idiopathic generalized epilepsy. Also called: EIG; Generalised epilepsy. Identifiers: MedGen C0270850, MONDO:0005579, OMIM 600669.
Hyperaldosteronism, familial, type IV (HALD4). Also called: FH IV; ALDOSTERONISM, PRIMARY, AND HYPERTENSION. Identifiers: Orphanet 642671, MedGen C4310756, MONDO:0014875, OMIM 617027.

Allele frequency attached by ClinVar (database versions not stated): gnomAD 0.00001.

Submission:

Labcorp Genetics (formerly Invitae), Labcorp
Classification: Uncertain significance for Idiopathic generalized epilepsy; Hyperaldosteronism, familial, type IV. Last evaluated: 2020-11-03. Review status: criteria provided, single submitter. Criteria: Invitae Variant Classification Sherloc (09022015). Collection method: clinical testing. Allele origin: germline.
Comment: In summary, the available evidence is currently insufficient to determine the role of this variant in disease. Therefore, it has been classified as a Variant of Uncertain Significance. Advanced modeling of protein sequence and biophysical properties (such as structural, functional, and spatial information, amino acid conservation, physicochemical variation, residue mobility, and thermodynamic stability) performed at Invitae indicates that this missense variant is not expected to disrupt CACNA1H protein function. This variant has not been reported in the literature in individuals with CACNA1H-related conditions. The frequency data for this variant in the population databases is considered unreliable, as metrics indicate insufficient coverage at this position in the ExAC database. This sequence change replaces proline with arginine at codon 19 of the CACNA1H protein (p.Pro19Arg). The proline residue is weakly conserved and there is a moderate physicochemical difference between proline and arginine.